The following is an entry in ClinVar:

NM_003128.3(SPTBN1):c.2686C>A (p.Pro896Thr)

Gene: SPTBN1 (spectrin beta, non-erythrocytic 1; plus strand). Cytogenetic location: 2p16.2.
Variant type: single nucleotide variant.
Coding change: c.2686C>A on transcript NM_003128.3 (MANE Select); coding-DNA position 2686, C replaced by A.
Protein change: p.Pro896Thr; replaces proline 896 with threonine.
Molecular consequence: missense variant.
Genome position (GRCh38, 1-based): chr2:54,629,908, C>A. VCF-style: chr2-54629908-C-A. GRCh37 (hg19) VCF-style: chr2-54857045-C-A.
Other names: c.2647C>A, p.Pro883Thr (NM_178313.3); short protein forms P883T, P896T.
Identifiers: ClinVar variation 4075547 (VCV004075547.1).

ClinVar aggregate classification (germline): Uncertain significance (1 of 4 stars; one submission).

gnomAD v4.1: 1 of 1,614,016 alleles (0.000062%); highest among the groups gnomAD compares: Non-Finnish European, 0.000085%; no homozygotes.

Submission:

GeneDx
Classification: Uncertain significance. Last evaluated: 2025-02-08. Review status: criteria provided, single submitter. Criteria: GeneDx Variant Classification Process June 2021. Collection method: clinical testing. Allele origin: germline. Affected: yes.
Comment: Not observed at significant frequency in large population cohorts (gnomAD); In silico analysis indicates that this missense variant does not alter protein structure/function; Has not been previously published as pathogenic or benign to our knowledge